The following is an entry in ClinVar:

ClinVar aggregate classification (germline): Likely benign (1 of 4 stars; one submission).

Conditions:
Tuberous sclerosis 2 (TSC2). Identifiers: Orphanet 805, MedGen C1860707, MONDO:0013199, OMIM 613254.

gnomAD v4.1: 1 of 1,551,082 alleles (0.000064%); highest among the groups gnomAD compares: Admixed American, 0.002%; no homozygotes.

Submission:

Myriad Genetics, Inc.
Classification: Likely benign for Tuberous sclerosis 2. Last evaluated: 2025-05-09. Review status: criteria provided, single submitter. Criteria: Myriad Autosomal Dominant, Autosomal Recessive and X-Linked Classification Criteria (2023). Collection method: clinical testing. Allele origin: unknown.
Comment: This variant is considered likely benign. This variant is intronic and is not expected to impact mRNA splicing.

NM_000548.5(TSC2):c.775-13T>C

Gene: TSC2 (TSC complex subunit 2; plus strand). Cytogenetic location: 16p13.3.
Variant type: single nucleotide variant.
Coding change: c.775-13T>C on transcript NM_000548.5 (MANE Select); 13 bases into the intron before coding-DNA position 775, T replaced by C.
Molecular consequence: intron variant.
Genome position (GRCh38, 1-based): chr16:2,057,092, T>C. VCF-style: chr16-2057092-T-C. GRCh37 (hg19) VCF-style: chr16-2107093-T-C.
Other names: c.775-13T>C (NM_001363528.2, NM_001406665.1, NM_001370404.1 and 6 more transcripts); c.-538-13T>C (NM_001406694.1, NM_001406695.1); c.-657-13T>C (NM_001406696.1, NM_001406689.1, NM_001406690.1 and 4 more transcripts); c.763-13T>C (NM_001406671.1, NM_001406673.1); c.313-13T>C (NM_001406681.1); c.664-13T>C (NM_001406670.1, NM_001318827.2, NM_001406678.1); c.175-13T>C (NM_001406682.1, NM_001406684.1, NM_001406685.1 and 6 more transcripts); c.718-13T>C (NM_001406677.1); and 4 more.
Identifiers: ClinVar variation 4071456 (VCV004071456.1).
Genomic context (GRCh38, chr16:2,057,092, plus strand): 5'-GGGCCAGCAGCGGGACTGGGGCTGGGGGCAGGGCTTATGCCTGCCAGCCCCTGACACGCA[T>C]TGTGTCTCGCAGCTGATGCGGAACCTCCTTGGCACCCACCTGGGCCACAGCGCCATCTAC-3'